The following is an entry in ClinVar:

ClinVar aggregate classification (germline): Conflicting classifications of pathogenicity. Review status: criteria provided, conflicting classifications (1 of 4 stars). 5 submissions from 5 submitters: Uncertain significance (2); Likely benign (3). Last evaluated 2026-02-02.

Conditions:
Fanconi-Bickel syndrome (FBS). Also called: HEPATIC GLYCOGENOSIS WITH AMINO ACIDURIA AND GLUCOSURIA; HEPATIC GLYCOGENOSIS WITH FANCONI NEPHROPATHY; HEPATORENAL GLYCOGENOSIS WITH RENAL FANCONI SYNDROME; PSEUDO-PHLORIZIN DIABETES; FANCONI SYNDROME WITH INTESTINAL MALABSORPTION AND GALACTOSE INTOLERANCE; Glycogen storage disease due to GLUT2 deficiency. Identifiers: Orphanet 2088, MedGen C3495427, MONDO:0009216, OMIM 227810.
Type 2 diabetes mellitus. Also called: Type II diabetes mellitus. Identifiers: MedGen C0011860, MeSH D003924, MONDO:0005148, OMIM 125853, HP:0005978.

Allele frequency attached by ClinVar (database versions not stated): ESP Exome Variant Server 0.00023; gnomAD 0.00034 and 0.00035; ExAC 0.00036; 1000 Genomes Project 0.00040; gnomAD exomes 0.00045 and 0.00055; 1000 Genomes Project 30x 0.00047; TOPMed 0.00051.
gnomAD v4.1: 844 of 1,614,176 alleles (0.052%); highest among the groups gnomAD compares: Admixed American, 0.14%; 2 homozygotes.

Submissions (5):

Labcorp Genetics (formerly Invitae), Labcorp
Classification: Likely benign for Fanconi-Bickel syndrome. Last evaluated: 2026-02-02. Review status: criteria provided, single submitter. Criteria: Invitae Variant Classification Sherloc (09022015). Collection method: clinical testing. Allele origin: germline.

Mayo Clinic Laboratories, Mayo Clinic
Classification: Likely benign. Last evaluated: 2025-01-27. Review status: criteria provided, single submitter. Criteria: ACMG Guidelines, 2015. Collection method: clinical testing. Allele origin: germline. Observed: 1 variant allele.
Comment: BS1, BP4

New York Genome Center
Classification: Uncertain significance for Fanconi-Bickel syndrome; Type 2 diabetes mellitus. Last evaluated: 2022-09-12. Review status: criteria provided, single submitter. Criteria: NYGC Assertion Criteria 2020. Collection method: clinical testing. Allele origin: germline. Observed: 1 heterozygote.

Illumina Laboratory Services, Illumina
Classification: Uncertain significance for Fanconi-Bickel syndrome. Last evaluated: 2018-01-12. Review status: criteria provided, single submitter. Criteria: ICSL Variant Classification Criteria 13 December 2019. Collection method: clinical testing. Allele origin: germline.

PreventionGenetics, part of Exact Sciences
Classification: Likely benign. Review status: criteria provided, single submitter. Criteria: ACMG Guidelines, 2015. Collection method: clinical testing. Allele origin: germline.

NM_000340.2(SLC2A2):c.247G>A (p.Glu83Lys)

Gene: SLC2A2 (solute carrier family 2 member 2; minus strand). Cytogenetic location: 3q26.2.
Variant type: single nucleotide variant.
Coding change: c.247G>A on transcript NM_000340.2 (MANE Select); coding-DNA position 247, G replaced by A.
Protein change: p.Glu83Lys; replaces glutamic acid 83 with lysine.
Molecular consequence: missense variant. On other transcripts: 5 prime UTR variant (1), intron variant (1).
Genome position (GRCh38, 1-based): chr3:171,014,593, C>T on the plus strand (G>A on the coding strand, the complement: SLC2A2 is on the minus strand). VCF-style: chr3-171014593-C-T. GRCh37 (hg19) VCF-style: chr3-170732382-C-T.
Other names: p.Glu83Lys; c.-148G>A (NM_001278659.2); c.14+3938G>A (NM_001278658.2); short protein forms E83K.
Identifiers: ClinVar variation 255897 (VCV000255897.18), dbSNP rs150851401, ClinGen allele CA2702732.